The following is an entry in ClinVar:

NM_004183.4(BEST1):c.969T>A (p.Asp323Glu)

Gene: BEST1 (bestrophin 1; plus strand). Cytogenetic location: 11q12.3.
Variant type: single nucleotide variant.
Coding change: c.969T>A on transcript NM_004183.4 (MANE Select); coding-DNA position 969, T replaced by A.
Protein change: p.Asp323Glu; replaces aspartic acid 323 with glutamic acid.
Molecular consequence: missense variant. On other transcripts: non-coding transcript variant (1).
Genome position (GRCh38, 1-based): chr11:61,959,912, T>A. VCF-style: chr11-61959912-T-A. GRCh37 (hg19) VCF-style: chr11-61727384-T-A.
Other names: c.789T>A, p.Asp263Glu (NM_001139443.3, NM_001300787.2); c.708T>A, p.Asp236Glu (NM_001300786.2); c.651T>A, p.Asp217Glu (NM_001363591.3); c.1172T>A, p.Met391Lys (NM_001363592.2); c.-4T>A (NM_001363593.3); short protein forms D236E, M391K, D217E, D263E, D323E.
Identifiers: ClinVar variation 930889 (VCV000930889.4), dbSNP rs1941875734, ClinGen allele CA380846083.

ClinVar aggregate classification (germline): Uncertain significance. Review status: criteria provided, multiple submitters, no conflicts (2 of 4 stars). 2 submissions from 2 submitters: Uncertain significance (2). Last evaluated 2025-09-05.

Conditions:
Vitelliform macular dystrophy 2. Also called: MACULAR DEGENERATION, POLYMORPHIC VITELLINE; VITELLIFORM MACULAR DYSTROPHY, EARLY-ONSET; VITELLIFORM MACULAR DYSTROPHY, JUVENILE-ONSET; Best Macular Dystrophy; Best vitelliform macular dystrophy, multifocal; Best Vitelliform Macular Dystrophy (BVMD). Identifiers: Orphanet 1243, MedGen C2745945, MONDO:0007931, OMIM 153700.

Allele frequency attached by ClinVar (database versions not stated): gnomAD exomes 0.00001.
gnomAD v4.1: 11 of 1,612,488 alleles (0.00068%); highest among the groups gnomAD compares: Non-Finnish European, 0.00093%; no homozygotes.

Submissions (2):

Labcorp Genetics (formerly Invitae), Labcorp
Classification: Uncertain significance. Last evaluated: 2025-09-05. Review status: criteria provided, single submitter. Criteria: Invitae Variant Classification Sherloc (09022015). Collection method: clinical testing. Allele origin: germline.
Comment: This sequence change replaces aspartic acid, which is acidic and polar, with glutamic acid, which is acidic and polar, at codon 323 of the BEST1 protein (p.Asp323Glu). This variant is not present in population databases (gnomAD no frequency). This variant has not been reported in the literature in individuals affected with BEST1-related conditions. ClinVar contains an entry for this variant (Variation ID: 930889). Invitae Evidence Modeling of protein sequence and biophysical properties (such as structural, functional, and spatial information, amino acid conservation, physicochemical variation, residue mobility, and thermodynamic stability) indicates that this missense variant is expected to disrupt BEST1 protein function with a positive predictive value of 95%. In summary, the available evidence is currently insufficient to determine the role of this variant in disease. Therefore, it has been classified as a Variant of Uncertain Significance.

Centre for Mendelian Genomics, University Medical Centre Ljubljana
Classification: Uncertain significance for Vitelliform macular dystrophy 2. Last evaluated: 2019-12-05. Review status: criteria provided, single submitter. Criteria: ACMG Guidelines, 2015. Collection method: clinical testing. Allele origin: unknown. Affected: yes.
Comment: This variant was classified as: Uncertain significance. The available evidence favors the pathogenic nature of this variant, however the currently available data is insufficient to conclusively support its pathogenic nature. Thus this variant is classified as Uncertain significance - favor pathogenic. The following ACMG criteria were applied in classifying this variant: PM2,PP2,PP3.